The following is an entry in ClinVar:

ClinVar aggregate classification (germline): Benign. Review status: criteria provided, multiple submitters, no conflicts (2 of 4 stars). 4 submissions from 4 submitters: Benign (2). 2 of the submissions do not count toward it. Last evaluated 2026-01-29.

Conditions:
ACACA-related disorder. Also called: ACACA-related condition.

Allele frequency attached by ClinVar (database versions not stated): TOPMed 0.03371.

Submissions (16):

Labcorp Genetics (formerly Invitae), Labcorp
Classification: Benign. Last evaluated: 2026-01-29. Review status: criteria provided, single submitter. Criteria: Invitae Variant Classification Sherloc (09022015). Collection method: clinical testing. Allele origin: germline.

Breakthrough Genomics
Classification: Benign. Review status: criteria provided, single submitter. Criteria: ACMG Guidelines, 2015. Collection method: not provided. Allele origin: germline. Inheritance: Autosomal recessive inheritance. Affected: yes.

PreventionGenetics, part of Exact Sciences
Classification: Benign for ACACA-related condition. Last evaluated: 2019-02-28. Review status: no assertion criteria provided. Collection method: clinical testing. Allele origin: germline. Not counted in ClinVar's aggregate classification.
Comment: This variant is classified as benign based on ACMG/AMP sequence variant interpretation guidelines (Richards et al. 2015 PMID: 25741868, with internal and published modifications).

Mayo Clinic Laboratories, Mayo Clinic
Classification: Benign. Last evaluated: 2017-10-12. Review status: no assertion criteria provided. Collection method: clinical testing. Allele origin: unknown. Not counted in ClinVar's aggregate classification.

Dr. Peter K. Rogan Lab, Western University
No classification provided (evidence only). Condition: Lung cancer. Review status: no classification provided. Collection method: in vitro. Allele origin: not applicable. Functional consequence: retained intron. Not counted in ClinVar's aggregate classification.

Dr. Peter K. Rogan Lab, Western University
No classification provided (evidence only). Condition: Lung cancer. Review status: no classification provided. Collection method: in vitro. Allele origin: not applicable. Functional consequence: retained intron. Not counted in ClinVar's aggregate classification.

Dr. Peter K. Rogan Lab, Western University
No classification provided (evidence only). Condition: Acute myeloid leukemia. Review status: no classification provided. Collection method: in vitro. Allele origin: not applicable. Functional consequence: retained intron. Not counted in ClinVar's aggregate classification.

Dr. Peter K. Rogan Lab, Western University
No classification provided (evidence only). Condition: Uterine corpus endometrial carcinoma. Review status: no classification provided. Collection method: in vitro. Allele origin: not applicable. Functional consequence: retained intron. Not counted in ClinVar's aggregate classification.

Dr. Peter K. Rogan Lab, Western University
No classification provided (evidence only). Condition: Uterine corpus endometrial carcinoma. Review status: no classification provided. Collection method: in vitro. Allele origin: not applicable. Functional consequence: retained intron. Not counted in ClinVar's aggregate classification.

Dr. Peter K. Rogan Lab, Western University
No classification provided (evidence only). Condition: Cervical cancer. Review status: no classification provided. Collection method: in vitro. Allele origin: not applicable. Functional consequence: retained intron. Not counted in ClinVar's aggregate classification.

Dr. Peter K. Rogan Lab, Western University
No classification provided (evidence only). Condition: Cervical cancer. Review status: no classification provided. Collection method: in vitro. Allele origin: not applicable. Functional consequence: retained intron. Not counted in ClinVar's aggregate classification.

Dr. Peter K. Rogan Lab, Western University
No classification provided (evidence only). Condition: Ovarian serous cystadenocarcinoma. Review status: no classification provided. Collection method: in vitro. Allele origin: not applicable. Functional consequence: retained intron. Not counted in ClinVar's aggregate classification.

Dr. Peter K. Rogan Lab, Western University
No classification provided (evidence only). Condition: Uterine carcinosarcoma. Review status: no classification provided. Collection method: in vitro. Allele origin: not applicable. Functional consequence: retained intron. Not counted in ClinVar's aggregate classification.

Dr. Peter K. Rogan Lab, Western University
No classification provided (evidence only). Condition: Malignant tumor of esophagus. Review status: no classification provided. Collection method: in vitro. Allele origin: not applicable. Functional consequence: retained intron. Not counted in ClinVar's aggregate classification.

Dr. Peter K. Rogan Lab, Western University
No classification provided (evidence only). Condition: Malignant tumor of esophagus. Review status: no classification provided. Collection method: in vitro. Allele origin: not applicable. Functional consequence: retained intron. Not counted in ClinVar's aggregate classification.

Dr. Peter K. Rogan Lab, Western University
No classification provided (evidence only). Condition: Malignant tumor of esophagus. Review status: no classification provided. Collection method: in vitro. Allele origin: not applicable. Functional consequence: retained intron. Not counted in ClinVar's aggregate classification.

NM_198834.3(ACACA):c.4777-7C>G

Gene: ACACA (acetyl-CoA carboxylase alpha; minus strand). Cytogenetic location: 17q12.
Variant type: single nucleotide variant.
Coding change: c.4777-7C>G on transcript NM_198834.3 (MANE Select); 7 bases into the intron before coding-DNA position 4777, C replaced by G.
Molecular consequence: intron variant.
Genome position (GRCh38, 1-based): chr17:37,181,363, G>C on the plus strand (C>G on the coding strand, the complement: ACACA is on the minus strand). VCF-style: chr17-37181363-G-C. GRCh37 (hg19) VCF-style: chr17-35538304-G-C.
Other names: c.4666-7C>G (NM_198839.3, NM_198836.3); c.4492-7C>G (NM_198837.2); c.4432-7C>G (NM_198838.2); c.4777-7C>G (NM_198834.2).
Identifiers: ClinVar variation 559341 (VCV000559341.16), dbSNP rs6607364, ClinGen allele CA8514990.